The following is an entry in ClinVar:

ClinVar aggregate classification (germline): Uncertain significance (1 of 4 stars; one submission).

Conditions:
Cardiovascular phenotype. Identifiers: MedGen CN230736.

Allele frequency attached by ClinVar (database versions not stated): TOPMed below 0.00001; ExAC 0.00001; ESP Exome Variant Server 0.00008.

Submission:

Ambry Genetics
Classification: Uncertain significance for Cardiovascular phenotype. Last evaluated: 2023-01-05. Review status: criteria provided, single submitter. Criteria: Ambry Variant Classification Scheme 2023. Collection method: clinical testing. Allele origin: germline.
Comment: The p.V286I variant (also known as c.856G>A), located in coding exon 1 of the MYPN gene, results from a G to A substitution at nucleotide position 856. The valine at codon 286 is replaced by isoleucine, an amino acid with highly similar properties. This amino acid position is conserved. In addition, this alteration is predicted to be tolerated by in silico analysis. Since supporting evidence is limited at this time, the clinical significance of this alteration remains unclear.

NM_032578.4(MYPN):c.856G>A (p.Val286Ile)

Gene: MYPN (myopalladin; plus strand). Cytogenetic location: 10q21.3.
Variant type: single nucleotide variant.
Coding change: c.856G>A on transcript NM_032578.4 (MANE Select); coding-DNA position 856, G replaced by A.
Protein change: p.Val286Ile; replaces valine 286 with isoleucine.
Molecular consequence: missense variant. On other transcripts: 5 prime UTR variant (1), non-coding transcript variant (1).
Genome position (GRCh38, 1-based): chr10:68,122,294, G>A. VCF-style: chr10-68122294-G-A. GRCh37 (hg19) VCF-style: chr10-69882051-G-A.
Other names: c.856G>A, p.Val286Ile (NM_001256267.2); c.-267G>A (NM_001256268.2); short protein forms V286I.
Identifiers: ClinVar variation 3228182 (VCV003228182.1), dbSNP rs375064775, ClinGen allele CA5522348.